The following is an entry in ClinVar:

NM_000051.4(ATM):c.1246G>A (p.Ala416Thr)

Gene: ATM (ATM serine/threonine kinase; plus strand). Cytogenetic location: 11q22.3.
Variant type: single nucleotide variant.
Coding change: c.1246G>A on transcript NM_000051.4 (MANE Select); coding-DNA position 1246, G replaced by A.
Protein change: p.Ala416Thr; replaces alanine 416 with threonine.
Molecular consequence: missense variant.
Genome position (GRCh38, 1-based): chr11:108,250,711, G>A. VCF-style: chr11-108250711-G-A. GRCh37 (hg19) VCF-style: chr11-108121438-G-A.
Other names: c.1246G>A, p.Ala416Thr (NM_001351834.2); short protein forms A416T.
Identifiers: ClinVar variation 3628493 (VCV003628493.2).
Genomic context (GRCh38, chr11:108,250,711, plus strand): 5'-TGTTAATGTGATGGAATAGTTTTCAAATTATCCTTTTTTTTTTTTTTTAGGCTACAGATT[G>A]CAACCCAATTAATATCAAAGTATCCTGCAAGTTTACCTAACTGTGAGCTGTCTCCATTAC-3'
Protein context (NP_000042.3, residues 406-426): DFDLVPWLQI[Ala416Thr]TQLISKYPAS

ClinVar aggregate classification (germline): Uncertain significance (1 of 4 stars; one submission).

Conditions:
Ataxia-telangiectasia syndrome (AT). Also called: ATAXIA-TELANGIECTASIA, COMPLEMENTATION GROUP A; ATAXIA-TELANGIECTASIA, FRESNO VARIANT; LOUIS-BAR SYNDROME; Cerebello-oculocutaneous telangiectasia; Immunodeficiency with ataxia telangiectasia; Ataxia-telangiectasia, complementation group E. Identifiers: Orphanet 100, MedGen C0004135, MONDO:0008840, OMIM 208900.

Submission:

Labcorp Genetics (formerly Invitae), Labcorp
Classification: Uncertain significance for Ataxia-telangiectasia syndrome. Last evaluated: 2024-11-18. Review status: criteria provided, single submitter. Criteria: Invitae Variant Classification Sherloc (09022015). Collection method: clinical testing. Allele origin: germline.
Comment: This sequence change replaces alanine, which is neutral and non-polar, with threonine, which is neutral and polar, at codon 416 of the ATM protein (p.Ala416Thr). This variant is not present in population databases (gnomAD no frequency). This variant has not been reported in the literature in individuals affected with ATM-related conditions. Invitae Evidence Modeling of protein sequence and biophysical properties (such as structural, functional, and spatial information, amino acid conservation, physicochemical variation, residue mobility, and thermodynamic stability) indicates that this missense variant is not expected to disrupt ATM protein function with a negative predictive value of 95%. In summary, the available evidence is currently insufficient to determine the role of this variant in disease. Therefore, it has been classified as a Variant of Uncertain Significance.